The following is an entry in ClinVar:

ClinVar aggregate classification (germline): Conflicting classifications of pathogenicity. Review status: criteria provided, conflicting classifications (1 of 4 stars). 2 submissions from 2 submitters: Pathogenic (1); Uncertain significance (1). Last evaluated 2026-01-23.

Conditions:
Congenital disorder of glycosylation, type Iaa. Also called: Congenital disorder of glycosylation, type 1aa. Identifiers: MedGen C4310727, MONDO:0014904, OMIM 617082.

Submissions (2):

GeneDx
Classification: Pathogenic. Last evaluated: 2026-01-23. Review status: criteria provided, single submitter. Criteria: GeneDx Variant Classification Process June 2021. Collection method: clinical testing. Allele origin: germline.
Comment: Initiation codon variant in a gene for which loss-of-function is a known mechanism of disease; Not observed at significant frequency in large population cohorts (gnomAD); Has not been previously published as pathogenic or benign to our knowledge

Labcorp Genetics (formerly Invitae), Labcorp
Classification: Uncertain significance for Congenital disorder of glycosylation, type Iaa. Last evaluated: 2025-12-19. Review status: criteria provided, single submitter. Criteria: Invitae Variant Classification Sherloc (09022015). Collection method: clinical testing. Allele origin: germline.
Comment: This sequence change affects the initiator codon of the NUS1 mRNA. This change may impact translation initiation or efficiency. The next in-frame methionine is located at codon 85. This variant is not present in population databases (gnomAD no frequency). Disruption of the initiator codon has been observed in individual(s) with clinical features of NUS1-related conditions (PMID: 38291835). ClinVar contains an entry for this variant (Variation ID: 3903192). Experimental studies and prediction algorithms are not available or were not evaluated, and the functional significance of this variant is currently unknown. In summary, the available evidence is currently insufficient to determine the role of this variant in disease. Therefore, it has been classified as a Variant of Uncertain Significance.

Literature cited by the submitters: PubMed 38291835 (cited by Labcorp Genetics (formerly Invitae), Labcorp).

NM_138459.5(NUS1):c.1A>G (p.Met1Val)

Gene: NUS1 (NUS1 dehydrodolichyl diphosphate synthase subunit; plus strand). Cytogenetic location: 6q22.1.
Variant type: single nucleotide variant.
Coding change: c.1A>G on transcript NM_138459.5 (MANE Select); coding-DNA position 1, A replaced by G.
Protein change: p.Met1Val; changes the start codon (methionine 1).
Molecular consequence: missense variant, initiator codon variant.
Genome position (GRCh38, 1-based): chr6:117,675,671, A>G. VCF-style: chr6-117675671-A-G. GRCh37 (hg19) VCF-style: chr6-117996834-A-G.
Other names: short protein forms M1V.
Identifiers: ClinVar variation 3903192 (VCV003903192.3).